The following is an entry in ClinVar:

ClinVar aggregate classification (germline): Pathogenic (1 of 4 stars; one submission).

Submission:

Labcorp Genetics (formerly Invitae), Labcorp
Classification: Pathogenic. Last evaluated: 2021-12-29. Review status: criteria provided, single submitter. Criteria: Invitae Variant Classification Sherloc (09022015). Collection method: clinical testing. Allele origin: germline.
Comment: This variant has not been reported in the literature in individuals affected with LCT-related conditions. For these reasons, this variant has been classified as Pathogenic. This variant is not present in population databases (gnomAD no frequency). This sequence change creates a premature translational stop signal (p.Arg1056Lysfs*9) in the LCT gene. It is expected to result in an absent or disrupted protein product. Loss-of-function variants in LCT are known to be pathogenic (PMID: 16400612, 25881162).

Literature cited by the submitters: PubMed 16400612; PubMed 25881162.

NM_002299.4(LCT):c.3166dup (p.Arg1056fs)

Gene: LCT (lactase; minus strand). Cytogenetic location: 2q21.3.
Variant type: Duplication.
Coding change: c.3166dup on transcript NM_002299.4 (MANE Select); coding-DNA position 3166, one base duplicated (A; older notation c.3166dupA).
Protein change: p.Arg1056fs; shifts the reading frame from arginine 1056.
Molecular consequence: frameshift variant.
Genome position (GRCh38, 1-based): chr2:135,809,181, T duplicated on the plus strand (A on the coding strand, the reverse complement: LCT is on the minus strand). VCF-style (leftmost placement, unchanged base first): chr2-135809180-C-CT. GRCh37 (hg19) VCF-style: chr2-136566750-C-CT.
Other names: short protein forms R1056fs.
Identifiers: ClinVar variation 2065895 (VCV002065895.4), dbSNP rs2467218151, ClinGen allele CA2580063832.
Genomic context (GRCh38, chr2:135,809,180, plus strand): 5'-GAGCCATAACCTAGCCATGCCAGGTACATGGGCTCATTAAAAGTCATCCAAAACTTGACT[C>CT]TATCACCAAAGGTCTGGAAACAAAAGTCTGCGTAGCTGTCAAACAAGTCAATCAAGGCAG-3'